The following is an entry in ClinVar:

Conditions:
Bone marrow failure syndrome 4. Identifiers: MedGen C4748257, MONDO:0020856, OMIM 618116.

Submission:

Department of Medical Genetics, International Peace Maternity and Child Health Hospital, Shanghai Jiao Tong University School of Medicine
No classification provided (evidence only). Condition: Bone marrow failure syndrome 4. Last evaluated: 2020-05-06. Review status: no classification provided. Criteria: ACMG Guidelines, 2015. Collection method: in vitro. Allele origin: not applicable. Inheritance: Autosomal recessive inheritance. Functional consequence: Variation affecting splicing function of RNA.
Comment: cDNA sequence of a patient with BMF syndrome revealed that the novel synonymous variant c.399G>A causes aberrant splicing of MYSM1 mRNA (NM_001085487.2), leading to exon 6 skipping which will result in formation of a premature termination codon (c.321_399 del, p.V108Lfs*13) .

"Pathogenic" was previously submitted as the classification for the variant. However, the classification appeared to be based only on an observation of functional data so it was converted to no classification on 2025-07-30.

NM_001085487.3(MYSM1):c.399G>A (p.Leu133=)

Gene: MYSM1 (Myb like, SWIRM and MPN domains 1; minus strand). Cytogenetic location: 1p32.1.
Variant type: single nucleotide variant.
Coding change: c.399G>A on transcript NM_001085487.3 (MANE Select); coding-DNA position 399, G replaced by A.
Protein change: p.Leu133=; no amino-acid change (leucine 133 retained).
Molecular consequence: synonymous variant.
Genome position (GRCh38, 1-based): chr1:58,689,038, C>T on the plus strand (G>A on the coding strand, the complement: MYSM1 is on the minus strand). VCF-style: chr1-58689038-C-T. GRCh37 (hg19) VCF-style: chr1-59154710-C-T.
Identifiers: ClinVar variation 873537 (VCV000873537.4), dbSNP rs1644867065, ClinGen allele CA417986757.